The following is an entry in ClinVar:

ClinVar aggregate classification (germline): Likely benign (1 of 4 stars; one submission).

gnomAD v4.1: 30 of 1,165,093 alleles (0.0026%); highest among the groups gnomAD compares: Non-Finnish European, 0.0035%; no homozygotes.

Submission:

CeGaT Center for Human Genetics Tuebingen
Classification: Likely benign. Last evaluated: 2026-01-01. Review status: criteria provided, single submitter. Criteria: CeGaT Center For Human Genetics Tuebingen Variant Classification Criteria Version 2. Collection method: clinical testing. Allele origin: germline. Affected: yes. Observed: 1 variant allele.
Comment: COL4A5: BS2

NM_033380.3(COL4A5):c.2075C>T (p.Pro692Leu)

Gene: COL4A5 (collagen type IV alpha 5 chain; plus strand). Cytogenetic location: Xq22.3.
Variant type: single nucleotide variant.
Coding change: c.2075C>T on transcript NM_033380.3 (MANE Select); coding-DNA position 2075, C replaced by T.
Protein change: p.Pro692Leu; replaces proline 692 with leucine.
Molecular consequence: missense variant.
Genome position (GRCh38, 1-based): chrX:108,601,918, C>T. VCF-style: chrX-108601918-C-T. GRCh37 (hg19) VCF-style: chrX-107845148-C-T.
Other names: c.2075C>T, p.Pro692Leu (NM_000495.5); short protein forms P692L.
Identifiers: ClinVar variation 4822463 (VCV004822463.4).